The following is an entry in ClinVar:

ClinVar aggregate classification (germline): Uncertain significance (1 of 4 stars; one submission).

Allele frequency attached by ClinVar (database versions not stated): gnomAD exomes 0.00001 and below 0.00001.
gnomAD v4.1: 13 of 1,613,698 alleles (0.00081%); highest among the groups gnomAD compares: Admixed American, 0.0033%; no homozygotes.

Submission:

Labcorp Genetics (formerly Invitae), Labcorp
Classification: Uncertain significance. Last evaluated: 2025-01-23. Review status: criteria provided, single submitter. Criteria: Invitae Variant Classification Sherloc (09022015). Collection method: clinical testing. Allele origin: germline.
Comment: This sequence change replaces glutamine, which is neutral and polar, with arginine, which is basic and polar, at codon 1543 of the CLTC protein (p.Gln1543Arg). This variant is present in population databases (no rsID available, gnomAD 0.003%). This variant has not been reported in the literature in individuals affected with CLTC-related conditions. ClinVar contains an entry for this variant (Variation ID: 1462726). Invitae Evidence Modeling of protein sequence and biophysical properties (such as structural, functional, and spatial information, amino acid conservation, physicochemical variation, residue mobility, and thermodynamic stability) indicates that this missense variant is not expected to disrupt CLTC protein function with a negative predictive value of 80%. In summary, the available evidence is currently insufficient to determine the role of this variant in disease. Therefore, it has been classified as a Variant of Uncertain Significance.

NM_004859.4(CLTC):c.4616A>G (p.Gln1539Arg)

Gene: CLTC (clathrin heavy chain; plus strand). Cytogenetic location: 17q23.1.
Variant type: single nucleotide variant.
Coding change: c.4616A>G on transcript NM_004859.4 (MANE Select); coding-DNA position 4616, A replaced by G.
Protein change: p.Gln1539Arg; replaces glutamine 1539 with arginine.
Molecular consequence: missense variant.
Genome position (GRCh38, 1-based): chr17:59,685,597, A>G. VCF-style: chr17-59685597-A-G. GRCh37 (hg19) VCF-style: chr17-57762958-A-G.
Other names: c.4628A>G, p.Gln1543Arg (NM_001288653.2); short protein forms Q1539R, Q1543R.
Identifiers: ClinVar variation 1462726 (VCV001462726.6), dbSNP rs1378922042, ClinGen allele CA400422471.
Genomic context (GRCh38, chr17:59,685,597, plus strand): 5'-TTCAGTATGTGGGGTCTAATGTTTTTGACTTTCACTATTTCTTTGAATAGGATGCAATGC[A>G]GTATGCTTCTGAATCTAAAGATACTGAATTGGCTGAAGAACTCCTGCAGTGGTTTTTGCA-3'
Protein context (NP_004850.1, residues 1529-1549): KKDSLYKDAM[Gln1539Arg]YASESKDTEL